The following is an entry in ClinVar:

ClinVar aggregate classification (germline): Uncertain significance (1 of 4 stars; one submission).

Allele frequency attached by ClinVar (database versions not stated): TOPMed below 0.00001; gnomAD exomes 0.00001; ExAC 0.00004.
gnomAD v4.1: 16 of 1,611,238 alleles (0.00099%); highest among the groups gnomAD compares: Middle Eastern, 0.017%; no homozygotes.

Submission:

Labcorp Genetics (formerly Invitae), Labcorp
Classification: Uncertain significance. Last evaluated: 2022-07-19. Review status: criteria provided, single submitter. Criteria: Invitae Variant Classification Sherloc (09022015). Collection method: clinical testing. Allele origin: germline.
Comment: In summary, the available evidence is currently insufficient to determine the role of this variant in disease. Therefore, it has been classified as a Variant of Uncertain Significance. Algorithms developed to predict the effect of missense changes on protein structure and function (SIFT, PolyPhen-2, Align-GVGD) all suggest that this variant is likely to be tolerated. This variant has not been reported in the literature in individuals affected with ARHGEF1-related conditions. This variant is present in population databases (rs782378209, gnomAD 0.02%). This sequence change replaces glycine, which is neutral and non-polar, with alanine, which is neutral and non-polar, at codon 925 of the ARHGEF1 protein (p.Gly925Ala).

NM_004706.4(ARHGEF1):c.2729G>C (p.Gly910Ala)

Gene: ARHGEF1 (Rho guanine nucleotide exchange factor 1; plus strand). Cytogenetic location: 19q13.2.
Variant type: single nucleotide variant.
Coding change: c.2729G>C on transcript NM_004706.4 (MANE Select); coding-DNA position 2729, G replaced by C.
Protein change: p.Gly910Ala; replaces glycine 910 with alanine.
Molecular consequence: missense variant. On other transcripts: non-coding transcript variant (2).
Genome position (GRCh38, 1-based): chr19:41,906,776, G>C. VCF-style: chr19-41906776-G-C. GRCh37 (hg19) VCF-style: chr19-42410928-G-C.
Other names: c.2897G>C, p.Gly966Ala (NM_001396000.1); c.2466G>C, p.Trp822Cys (NM_001396002.1, NM_001396004.1); c.2565G>C, p.Trp855Cys (NM_001396003.1, NM_001396006.1); c.2630G>C, p.Gly877Ala (NM_198977.2); c.2774G>C, p.Gly925Ala (NM_199002.2); short protein forms G925A, W855C, G877A, G910A, G966A, W822C.
Identifiers: ClinVar variation 1901791 (VCV001901791.5), dbSNP rs782378209, ClinGen allele CA9466826.